The following is an entry in ClinVar:

ClinVar aggregate classification (germline): Uncertain significance. Review status: criteria provided, multiple submitters, no conflicts (2 of 4 stars). 2 submissions from 2 submitters: Uncertain significance (2). Last evaluated 2025-08-11.

Conditions:
Cardiovascular phenotype. Identifiers: MedGen CN230736.
RASopathy. Also called: Noonan spectrum disorder; rasopathies. Identifiers: Orphanet 536391, MedGen C5555857, MONDO:0021060.

Submissions (2):

Ambry Genetics
Classification: Uncertain significance for Cardiovascular phenotype. Last evaluated: 2025-08-11. Review status: criteria provided, single submitter. Criteria: Ambry Variant Classification Scheme 2023. Collection method: clinical testing. Allele origin: germline.
Comment: The p.P592L variant (also known as c.1775C>T), located in coding exon 11 of the CBL gene, results from a C to T substitution at nucleotide position 1775. The proline at codon 592 is replaced by leucine, an amino acid with similar properties. This amino acid position is conserved. In addition, this alteration is predicted to be tolerated by in silico analysis. Based on the available evidence, the clinical significance of this variant remains unclear.

Labcorp Genetics (formerly Invitae), Labcorp
Classification: Uncertain significance for RASopathy. Last evaluated: 2024-03-13. Review status: criteria provided, single submitter. Criteria: Invitae Variant Classification Sherloc (09022015). Collection method: clinical testing. Allele origin: germline.
Comment: This sequence change replaces proline, which is neutral and non-polar, with leucine, which is neutral and non-polar, at codon 592 of the CBL protein (p.Pro592Leu). This variant is not present in population databases (gnomAD no frequency). This variant has not been reported in the literature in individuals affected with CBL-related conditions. Advanced modeling of protein sequence and biophysical properties (such as structural, functional, and spatial information, amino acid conservation, physicochemical variation, residue mobility, and thermodynamic stability) performed at Invitae indicates that this missense variant is not expected to disrupt CBL protein function with a negative predictive value of 95%. In summary, the available evidence is currently insufficient to determine the role of this variant in disease. Therefore, it has been classified as a Variant of Uncertain Significance.

NM_005188.4(CBL):c.1775C>T (p.Pro592Leu)

Gene: CBL (Cbl proto-oncogene; plus strand). Cytogenetic location: 11q23.3.
Variant type: single nucleotide variant.
Coding change: c.1775C>T on transcript NM_005188.4 (MANE Select); coding-DNA position 1775, C replaced by T.
Protein change: p.Pro592Leu; replaces proline 592 with leucine.
Molecular consequence: missense variant.
Genome position (GRCh38, 1-based): chr11:119,285,400, C>T. VCF-style: chr11-119285400-C-T. GRCh37 (hg19) VCF-style: chr11-119156110-C-T.
Other names: c.1775C>T (NM_005188.2); short protein forms P592L.
Identifiers: ClinVar variation 3631949 (VCV003631949.3).